The following is an entry in ClinVar:

NM_005245.4(FAT1):c.12331G>A (p.Ala4111Thr)

Gene: FAT1 (FAT atypical cadherin 1; minus strand). Cytogenetic location: 4q35.2.
Variant type: single nucleotide variant.
Coding change: c.12331G>A on transcript NM_005245.4 (MANE Select); coding-DNA position 12331, G replaced by A.
Protein change: p.Ala4111Thr; replaces alanine 4111 with threonine.
Molecular consequence: missense variant.
Genome position (GRCh38, 1-based): chr4:186,597,719, C>T on the plus strand (G>A on the coding strand, the complement: FAT1 is on the minus strand). VCF-style: chr4-186597719-C-T. GRCh37 (hg19) VCF-style: chr4-187518873-C-T.
Other names: short protein forms A4111T.
Identifiers: ClinVar variation 2629036 (VCV002629036.1), dbSNP rs755592521, ClinGen allele CA3164857.

ClinVar aggregate classification (germline): Uncertain significance (1 of 4 stars; one submission).

Conditions:
FAT1-related disorder. Also called: FAT1-related condition.

Allele frequency attached by ClinVar (database versions not stated): gnomAD exomes 0.00001; ExAC 0.00002; gnomAD 0.00002; TOPMed 0.00002.
gnomAD v4.1: 21 of 1,613,716 alleles (0.0013%); highest among the groups gnomAD compares: South Asian, 0.011%; no homozygotes.

Submission:

PreventionGenetics, part of Exact Sciences
Classification: Uncertain significance for FAT1-related condition. Last evaluated: 2022-12-20. Review status: criteria provided, single submitter. Criteria: ACMG Guidelines, 2015. Collection method: clinical testing. Allele origin: germline.
Comment: The FAT1 c.12331G>A variant is predicted to result in the amino acid substitution p.Ala4111Thr. To our knowledge, this variant has not been reported in the literature. This variant is reported in 0.0098% of alleles in individuals of South Asian descent in gnomAD. At this time, the clinical significance of this variant is uncertain due to the absence of conclusive functional and genetic evidence.